The following is an entry in ClinVar:

NM_001040151.2(SCN3B):c.130C>A (p.Arg44Ser)

Gene: SCN3B (sodium voltage-gated channel beta subunit 3; minus strand). Cytogenetic location: 11q24.1.
Variant type: single nucleotide variant.
Coding change: c.130C>A on transcript NM_001040151.2 (MANE Select); coding-DNA position 130, C replaced by A.
Protein change: p.Arg44Ser; replaces arginine 44 with serine.
Molecular consequence: missense variant.
Genome position (GRCh38, 1-based): chr11:123,645,676, G>T on the plus strand (C>A on the coding strand, the complement: SCN3B is on the minus strand). VCF-style: chr11-123645676-G-T. GRCh37 (hg19) VCF-style: chr11-123516384-G-T.
Other names: c.130C>A, p.Arg44Ser (NM_018400.4); short protein forms R44S.
Identifiers: ClinVar variation 4797505 (VCV004797505.1).
Genomic context (GRCh38, chr11:123,645,676, plus strand): 5'-AGAACCATTCCACCACCGTGGTGGCCTCCACCTCCTCTCTCTTCATGCAGGAGATGCAGC[G>T]CAGCTTCATGGGGTTGCCCTGCACGGCCTCCGTCTCCGAGGGCACTTCCACACACACAGG-3'
Protein context (NP_001035241.1, residues 34-54): EAVQGNPMKL[Arg44Ser]CISCMKREEV

ClinVar aggregate classification (germline): Uncertain significance (1 of 4 stars; one submission).

Conditions:
Brugada syndrome 7 (BRGDA7). Identifiers: Orphanet 130, MedGen C2751088, MONDO:0013146, OMIM 613120.

gnomAD v4.1: 1 of 1,614,034 alleles (0.000062%); highest among the groups gnomAD compares: Admixed American, 0.0017%; no homozygotes.

Submission:

Labcorp Genetics (formerly Invitae), Labcorp
Classification: Uncertain significance for Brugada syndrome 7. Last evaluated: 2025-07-24. Review status: criteria provided, single submitter. Criteria: Invitae Variant Classification Sherloc (09022015). Collection method: clinical testing. Allele origin: germline.
Comment: This sequence change replaces arginine, which is basic and polar, with serine, which is neutral and polar, at codon 44 of the SCN3B protein (p.Arg44Ser). This variant is not present in population databases (gnomAD no frequency). This variant has not been reported in the literature in individuals affected with SCN3B-related conditions. An algorithm developed to predict the effect of missense changes on protein structure and function (PolyPhen-2) suggests that this variant is likely to be tolerated. In summary, the available evidence is currently insufficient to determine the role of this variant in disease. Therefore, it has been classified as a Variant of Uncertain Significance.